The following is an entry in ClinVar:

NM_001349206.2(LPIN1):c.1624G>A (p.Val542Met)

Gene: LPIN1 (lipin 1; plus strand). Cytogenetic location: 2p25.1.
Variant type: single nucleotide variant.
Coding change: c.1624G>A on transcript NM_001349206.2 (MANE Select); coding-DNA position 1624, G replaced by A.
Protein change: p.Val542Met; replaces valine 542 with methionine.
Molecular consequence: missense variant. On other transcripts: non-coding transcript variant (1).
Genome position (GRCh38, 1-based): chr2:11,787,148, G>A. VCF-style: chr2-11787148-G-A. GRCh37 (hg19) VCF-style: chr2-11927274-G-A.
Other names: c.1534G>A, p.Val512Met (NM_001261427.3); c.1771G>A, p.Val591Met (NM_001261428.3); c.1516G>A, p.Val506Met (NM_001349199.2, NM_001349200.2, NM_001349201.2 and 1 more transcripts); c.1621G>A, p.Val541Met (NM_001349202.2, NM_001349203.2); c.1624G>A, p.Val542Met (NM_001349204.2, NM_001349205.2); c.1714G>A, p.Val572Met (NM_001349207.2); c.1663G>A, p.Val555Met (NM_001349208.2); short protein forms V512M, V541M, V591M, V572M, V506M, V542M, V555M.
Identifiers: ClinVar variation 1450507 (VCV001450507.3), dbSNP rs748507027, ClinGen allele CA1533772.

ClinVar aggregate classification (germline): Uncertain significance (1 of 4 stars; one submission).

Allele frequency attached by ClinVar (database versions not stated): TOPMed below 0.00001; ExAC 0.00001; gnomAD 0.00001 and 0.00002; gnomAD exomes 0.00001.
gnomAD v4.1: 19 of 1,613,174 alleles (0.0012%); highest among the groups gnomAD compares: Non-Finnish European, 0.00085%; no homozygotes.

Submission:

Labcorp Genetics (formerly Invitae), Labcorp
Classification: Uncertain significance. Last evaluated: 2022-10-13. Review status: criteria provided, single submitter. Criteria: Invitae Variant Classification Sherloc (09022015). Collection method: clinical testing. Allele origin: germline.
Comment: This sequence change replaces valine, which is neutral and non-polar, with methionine, which is neutral and non-polar, at codon 506 of the LPIN1 protein (p.Val506Met). This variant is present in population databases (rs748507027, gnomAD 0.01%). This variant has not been reported in the literature in individuals affected with LPIN1-related conditions. ClinVar contains an entry for this variant (Variation ID: 1450507). Advanced modeling of protein sequence and biophysical properties (such as structural, functional, and spatial information, amino acid conservation, physicochemical variation, residue mobility, and thermodynamic stability) performed at Invitae indicates that this missense variant is expected to disrupt LPIN1 protein function. Algorithms developed to predict the effect of sequence changes on RNA splicing suggest that this variant may create or strengthen a splice site. In summary, the available evidence is currently insufficient to determine the role of this variant in disease. Therefore, it has been classified as a Variant of Uncertain Significance.